The following is an entry in ClinVar:

NM_003482.4(KMT2D):c.15068A>G (p.Asp5023Gly)

Gene: KMT2D (lysine methyltransferase 2D; minus strand). Cytogenetic location: 12q13.12.
Variant type: single nucleotide variant.
Coding change: c.15068A>G on transcript NM_003482.4 (MANE Select); coding-DNA position 15068, A replaced by G.
Protein change: p.Asp5023Gly; replaces aspartic acid 5023 with glycine.
Molecular consequence: missense variant.
Genome position (GRCh38, 1-based): chr12:49,026,898, T>C on the plus strand (A>G on the coding strand, the complement: KMT2D is on the minus strand). VCF-style: chr12-49026898-T-C. GRCh37 (hg19) VCF-style: chr12-49420681-T-C.
Other names: short protein forms D5023G.
Identifiers: ClinVar variation 2701961 (VCV002701961.3), dbSNP rs1808383066, ClinGen allele CA384690290.
Genomic context (GRCh38, chr12:49,026,898, plus strand): 5'-GTGGCCCCGTCACCCTCCTCATGACAGAAACAGCAGCGACGCATGTCTCGCGGTACCTTG[T>C]CAGGTCGCAAGGCTGTGCCAAGCTGCTCCATAAACTCTGCCACTTCCCGCTCATCCTCCT-3'
Protein context (NP_003473.3, residues 5013-5033): MEQLGTALRP[Asp5023Gly]KVPRDMRRCC

ClinVar aggregate classification (germline): Uncertain significance (1 of 4 stars; one submission).

Conditions:
Kabuki syndrome. Also called: Kabuki make-up syndrome; NIIKAWA-KUROKI SYNDROME. Identifiers: Orphanet 2322, MedGen C0796004, MONDO:0016512.

Submission:

Labcorp Genetics (formerly Invitae), Labcorp
Classification: Uncertain significance for Kabuki syndrome. Last evaluated: 2024-02-05. Review status: criteria provided, single submitter. Criteria: Invitae Variant Classification Sherloc (09022015). Collection method: clinical testing. Allele origin: germline.
Comment: This sequence change replaces aspartic acid, which is acidic and polar, with glycine, which is neutral and non-polar, at codon 5023 of the KMT2D protein (p.Asp5023Gly). This variant is not present in population databases (gnomAD no frequency). This variant has not been reported in the literature in individuals affected with KMT2D-related conditions. Advanced modeling of protein sequence and biophysical properties (such as structural, functional, and spatial information, amino acid conservation, physicochemical variation, residue mobility, and thermodynamic stability) performed at Invitae indicates that this missense variant is not expected to disrupt KMT2D protein function with a negative predictive value of 95%. In summary, the available evidence is currently insufficient to determine the role of this variant in disease. Therefore, it has been classified as a Variant of Uncertain Significance.